The following is an entry in ClinVar:

ClinVar aggregate classification (germline): Uncertain significance (1 of 4 stars; one submission).

Conditions:
Early Myoclonic Encephalopathy. Identifiers: MedGen C0270855.

Allele frequency attached by ClinVar (database versions not stated): gnomAD exomes below 0.00001.
gnomAD v4.1: 1 of 1,614,118 alleles (0.000062%); highest among the groups gnomAD compares: Non-Finnish European, 0.000085%; no homozygotes.

Submission:

Labcorp Genetics (formerly Invitae), Labcorp
Classification: Uncertain significance for Early Myoclonic Encephalopathy. Last evaluated: 2022-02-19. Review status: criteria provided, single submitter. Criteria: Invitae Variant Classification Sherloc (09022015). Collection method: clinical testing. Allele origin: germline.
Comment: In summary, the available evidence is currently insufficient to determine the role of this variant in disease. Therefore, it has been classified as a Variant of Uncertain Significance. Algorithms developed to predict the effect of missense changes on protein structure and function are either unavailable or do not agree on the potential impact of this missense change (SIFT: "Tolerated"; PolyPhen-2: "Possibly Damaging"; Align-GVGD: "Class C0"). This variant has not been reported in the literature in individuals affected with JMJD1C-related conditions. This variant is not present in population databases (gnomAD no frequency). This sequence change replaces histidine, which is basic and polar, with proline, which is neutral and non-polar, at codon 991 of the JMJD1C protein (p.His991Pro).

NM_032776.3(JMJD1C):c.2972A>C (p.His991Pro)

Gene: JMJD1C (jumonji domain containing 1C; minus strand). Cytogenetic location: 10q21.3.
Variant type: single nucleotide variant.
Coding change: c.2972A>C on transcript NM_032776.3 (MANE Select); coding-DNA position 2972, A replaced by C.
Protein change: p.His991Pro; replaces histidine 991 with proline.
Molecular consequence: missense variant. On other transcripts: non-coding transcript variant (1).
Genome position (GRCh38, 1-based): chr10:63,208,697, T>G on the plus strand (A>C on the coding strand, the complement: JMJD1C is on the minus strand). VCF-style: chr10-63208697-T-G. GRCh37 (hg19) VCF-style: chr10-64968457-T-G.
Other names: c.2426A>C, p.His809Pro (NM_001282948.2, NM_001318154.2); c.2108A>C, p.His703Pro (NM_001318153.2); c.2858A>C, p.His953Pro (NM_001322252.2); c.2315A>C, p.His772Pro (NM_001322254.2, NM_001322258.2); short protein forms H703P, H991P, H772P, H809P, H953P.
Identifiers: ClinVar variation 2099507 (VCV002099507.4), dbSNP rs2492700557, ClinGen allele CA377043131.
Genomic context (GRCh38, chr10:63,208,697, plus strand): 5'-GTCTCCTGGGGTGGCCTCTGTAACTGATTTAATACTGGATCCACAAAATGCCTATGTAAG[T>G]GACAATCTTTTCCAGTCTGTGACCTATTTAGATCCAGGTCATTTTTGGCTGATGTGGATG-3'
Protein context (NP_116165.1, residues 981-1001): LNRSQTGKDC[His991Pro]LHRHFVDPVL